The following is an entry in ClinVar:

NM_030665.4(RAI1):c.397C>G (p.Pro133Ala)

Gene: RAI1 (retinoic acid induced 1; plus strand). Cytogenetic location: 17p11.2.
Variant type: single nucleotide variant.
Coding change: c.397C>G on transcript NM_030665.4 (MANE Select); coding-DNA position 397, C replaced by G.
Protein change: p.Pro133Ala; replaces proline 133 with alanine.
Molecular consequence: missense variant.
Genome position (GRCh38, 1-based): chr17:17,793,345, C>G. VCF-style: chr17-17793345-C-G. GRCh37 (hg19) VCF-style: chr17-17696659-C-G.
Other names: short protein forms P133A.
Identifiers: ClinVar variation 2784634 (VCV002784634.3), dbSNP rs183251531, ClinGen allele CA8418117.

ClinVar aggregate classification (germline): Uncertain significance (1 of 4 stars; one submission).

gnomAD v4.1: 1 of 1,612,914 alleles (0.000062%); highest among the groups gnomAD compares: East Asian, 0.0022%; no homozygotes.

Submission:

Labcorp Genetics (formerly Invitae), Labcorp
Classification: Uncertain significance. Last evaluated: 2023-10-28. Review status: criteria provided, single submitter. Criteria: Invitae Variant Classification Sherloc (09022015). Collection method: clinical testing. Allele origin: germline.
Comment: This sequence change replaces proline, which is neutral and non-polar, with alanine, which is neutral and non-polar, at codon 133 of the RAI1 protein (p.Pro133Ala). This variant is present in population databases (rs183251531, gnomAD 0.006%). This variant has not been reported in the literature in individuals affected with RAI1-related conditions. Advanced modeling of protein sequence and biophysical properties (such as structural, functional, and spatial information, amino acid conservation, physicochemical variation, residue mobility, and thermodynamic stability) performed at Invitae indicates that this missense variant is not expected to disrupt RAI1 protein function with a negative predictive value of 80%. In summary, the available evidence is currently insufficient to determine the role of this variant in disease. Therefore, it has been classified as a Variant of Uncertain Significance.